The following is an entry in ClinVar:

NM_000334.4(SCN4A):c.483-3C>T

Gene: SCN4A (sodium voltage-gated channel alpha subunit 4; minus strand). Cytogenetic location: 17q23.3.
Variant type: single nucleotide variant.
Coding change: c.483-3C>T on transcript NM_000334.4 (MANE Select); 3 bases into the intron before coding-DNA position 483, C replaced by T.
Molecular consequence: intron variant.
Genome position (GRCh38, 1-based): chr17:63,971,853, G>A on the plus strand (C>T on the coding strand, the complement: SCN4A is on the minus strand). VCF-style: chr17-63971853-G-A. GRCh37 (hg19) VCF-style: chr17-62049213-G-A.
Identifiers: ClinVar variation 842234 (VCV000842234.10), dbSNP rs759754258, ClinGen allele CA8710132.

ClinVar aggregate classification (germline): Uncertain significance (1 of 4 stars; one submission).

Conditions:
Hyperkalemic periodic paralysis. Also called: Familial hyperkalemic periodic paralysis; Gamstorp disease. Identifiers: Orphanet 682, MedGen C0238357, MONDO:0008224, OMIM 170500, HP:0007215.

Allele frequency attached by ClinVar (database versions not stated): TOPMed 0.00001.

Submission:

Labcorp Genetics (formerly Invitae), Labcorp
Classification: Uncertain significance for Hyperkalemic periodic paralysis. Last evaluated: 2024-08-06. Review status: criteria provided, single submitter. Criteria: Invitae Variant Classification Sherloc (09022015). Collection method: clinical testing. Allele origin: germline.
Comment: This sequence change falls in intron 3 of the SCN4A gene. It does not directly change the encoded amino acid sequence of the SCN4A protein. It affects a nucleotide within the consensus splice site. This variant is present in population databases (rs759754258, gnomAD 0.007%). This variant has not been reported in the literature in individuals affected with SCN4A-related conditions. ClinVar contains an entry for this variant (Variation ID: 842234). Variants that disrupt the consensus splice site are a relatively common cause of aberrant splicing (PMID: 17576681, 9536098). Algorithms developed to predict the effect of sequence changes on RNA splicing suggest that this variant is not likely to affect RNA splicing. In summary, the available evidence is currently insufficient to determine the role of this variant in disease. Therefore, it has been classified as a Variant of Uncertain Significance.

Literature cited by the submitters: PubMed 17576681; PubMed 9536098.